The following is an entry in ClinVar:

NM_000540.3(RYR1):c.8959G>A (p.Glu2987Lys)

Gene: RYR1 (ryanodine receptor 1; plus strand). Cytogenetic location: 19q13.2.
Variant type: single nucleotide variant.
Coding change: c.8959G>A on transcript NM_000540.3 (MANE Select); coding-DNA position 8959, G replaced by A.
Protein change: p.Glu2987Lys; replaces glutamic acid 2987 with lysine.
Molecular consequence: missense variant.
Genome position (GRCh38, 1-based): chr19:38,510,524, G>A. VCF-style: chr19-38510524-G-A. GRCh37 (hg19) VCF-style: chr19-39001164-G-A.
Other names: c.8959G>A, p.Glu2987Lys (NM_001042723.2); short protein forms E2987K.
Identifiers: ClinVar variation 4757773 (VCV004757773.1).
Genomic context (GRCh38, chr19:38,510,524, plus strand): 5'-AACCCACTGTGAACCCTATTTGCCCTCCCTACAGAGGCTGTGGTCAGCAGTGGGCGAGTG[G>A]AAAAGTCCCCACATGAACAGGAGATTAAATTCTTTGCCAAGGTGAGAGGTGGGCTTAGAA-3'
Protein context (NP_000531.2, residues 2977-2997): LEAVVSSGRV[Glu2987Lys]KSPHEQEIKF

ClinVar aggregate classification (germline): Uncertain significance (1 of 4 stars; one submission).

Conditions:
Malignant hyperthermia, susceptibility to, 1 (MHS1). Also called: RYR1-Related Malignant Hyperthermia Susceptibility; Malignant hyperthermia suceptibility 1; Anesthesia related hyperthermia; Malignant hyperpyrexia; Fulminating hyperpyrexia; Pharmacogenic myopathy. Identifiers: Orphanet 423, MedGen C2930980, MONDO:0007783, OMIM 145600.

Submission:

Color Diagnostics, LLC DBA Color Health
Classification: Uncertain significance for Malignant hyperthermia, susceptibility to, 1. Last evaluated: 2025-08-17. Review status: criteria provided, single submitter. Criteria: ACMG Guidelines, 2015. Collection method: clinical testing. Allele origin: germline.
Comment: This missense variant replaces glutamic acid with lysine at codon 2987 of the RYR1 protein. Computational prediction suggests that this variant may not impact protein structure and function. To our knowledge, functional studies have not been reported for this variant. This variant has not been reported in individuals affected with RYR1-related disorders in the literature. This variant has not been identified in the general population by the Genome Aggregation Database (gnomAD). The available evidence is insufficient to determine the role of this variant in disease conclusively. Therefore, this variant is classified as a Variant of Uncertain Significance.